The following is an entry in ClinVar:

NM_012210.4(TRIM32):c.1068C>T (p.Leu356=)

Genes: ASTN2 (astrotactin 2; minus strand), TRIM32 (tripartite motif containing 32; plus strand). Cytogenetic location: 9q33.1.
Variant type: single nucleotide variant.
Coding change: c.1068C>T on transcript NM_012210.4 (MANE Select); coding-DNA position 1068, C replaced by T.
Protein change: p.Leu356=; no amino-acid change (leucine 356 retained).
Molecular consequence: synonymous variant. On other transcripts: intron variant (3).
Genome position (GRCh38, 1-based): chr9:116,698,810, C>T. VCF-style: chr9-116698810-C-T. GRCh37 (hg19) VCF-style: chr9-119461089-C-T.
Other names: c.1068C>T, p.Leu356= (NM_001099679.2, NM_001379048.1, NM_001379049.1 and 1 more transcripts); c.2653+26961G>A (NM_014010.5); c.2794+26961G>A (NM_001365069.1); c.2806+26961G>A (NM_001365068.1).
Identifiers: ClinVar variation 386894 (VCV000386894.1), dbSNP rs1057522634, ClinGen allele CA16606200.

ClinVar aggregate classification (germline): Likely benign (1 of 4 stars; one submission).

Allele frequency attached by ClinVar (database versions not stated): gnomAD 0.00001.
gnomAD v4.1: 4 of 1,614,096 alleles (0.00025%); highest among the groups gnomAD compares: East Asian, 0.0089%; no homozygotes.

Submission:

GeneDx
Classification: Likely benign. Last evaluated: 2016-06-29. Review status: criteria provided, single submitter. Criteria: GeneDx Variant Classification (06012015). Collection method: clinical testing. Allele origin: germline. Affected: yes.
Comment: This variant is considered likely benign or benign based on one or more of the following criteria: it is a conservative change, it occurs at a poorly conserved position in the protein, it is predicted to be benign by multiple in silico algorithms, and/or has population frequency not consistent with disease.